The following is an entry in ClinVar:

NM_004606.5(TAF1):c.1528C>T (p.Leu510Phe)

Gene: TAF1 (TATA-box binding protein associated factor 1; plus strand). Cytogenetic location: Xq13.1.
Variant type: single nucleotide variant.
Coding change: c.1528C>T on transcript NM_004606.5 (MANE Select); coding-DNA position 1528, C replaced by T.
Protein change: p.Leu510Phe; replaces leucine 510 with phenylalanine.
Molecular consequence: missense variant. On other transcripts: non-coding transcript variant (9).
Genome position (GRCh38, 1-based): chrX:71,381,910, C>T. VCF-style: chrX-71381910-C-T. GRCh37 (hg19) VCF-style: chrX-70601760-C-T.
Other names: c.1528C>T, p.Leu510Phe (NM_001286074.2); c.1465C>T, p.Leu489Phe (NM_138923.4); short protein forms L489F, L510F.
Identifiers: ClinVar variation 1721782 (VCV001721782.5), dbSNP rs2520206132, ClinGen allele CA413513142.
Genomic context (GRCh38, chrX:71,381,910, plus strand): 5'-CAGGCCATGCCCCGGCTGTTGGAACCTCCTGTTTTGACACTTGATCCCAATGATGAGAAC[C>T]TCATTTTGGGTATATTACTGGCAGAGGCCAGTGTTTCTTCTCCTTTGAAAACTTGCTGTT-3'
Protein context (NP_004597.3, residues 500-520): VLTLDPNDEN[Leu510Phe]ILEIPDEKEE

ClinVar aggregate classification (germline): Uncertain significance (1 of 4 stars; one submission).

Submission:

Labcorp Genetics (formerly Invitae), Labcorp
Classification: Uncertain significance. Last evaluated: 2022-10-17. Review status: criteria provided, single submitter. Criteria: Invitae Variant Classification Sherloc (09022015). Collection method: clinical testing. Allele origin: germline.
Comment: In summary, the available evidence is currently insufficient to determine the role of this variant in disease. Therefore, it has been classified as a Variant of Uncertain Significance. Algorithms developed to predict the effect of missense changes on protein structure and function are either unavailable or do not agree on the potential impact of this missense change (SIFT: "Deleterious"; PolyPhen-2: "Benign"; Align-GVGD: "Class C0"). This variant has not been reported in the literature in individuals affected with TAF1-related conditions. This variant is not present in population databases (gnomAD no frequency). This sequence change replaces leucine, which is neutral and non-polar, with phenylalanine, which is neutral and non-polar, at codon 530 of the TAF1 protein (p.Leu530Phe).